The following is an entry in ClinVar:

ClinVar aggregate classification (germline): Likely benign. Review status: criteria provided, multiple submitters, no conflicts (2 of 4 stars). 4 submissions from 4 submitters: Likely benign (4). Last evaluated 2025-09-08.

Conditions:
Ehlers-Danlos syndrome, kyphoscoliotic type, 2. Also called: FKBP14-Kyphoscoliotic Ehlers-Danlos Syndrome; Ehlers-Danlos syndrome with progressive kyphoscoliosis, myopathy, and hearing loss; Ehlers-Danlos syndrome, kyphoscoliotic and deafness type. Identifiers: Orphanet 300179, MedGen C3281160, MONDO:0013800, OMIM 614557.
Cardiovascular phenotype. Identifiers: MedGen CN230736.

Allele frequency attached by ClinVar (database versions not stated): ExAC 0.00001; TOPMed 0.00001.
gnomAD v4.1: 28 of 1,608,420 alleles (0.0017%); highest among the groups gnomAD compares: Non-Finnish European, 0.0022%; no homozygotes.

Submissions (4):

Women's Health and Genetics/Laboratory Corporation of America, LabCorp
Classification: Likely benign. Last evaluated: 2025-09-08. Review status: criteria provided, single submitter. Criteria: LabCorp Variant Classification Summary - May 2015. Collection method: clinical testing. Allele origin: germline.

Labcorp Genetics (formerly Invitae), Labcorp
Classification: Likely benign for Ehlers-Danlos syndrome, kyphoscoliotic type, 2. Last evaluated: 2023-10-05. Review status: criteria provided, single submitter. Criteria: Invitae Variant Classification Sherloc (09022015). Collection method: clinical testing. Allele origin: germline.

CeGaT Center for Human Genetics Tuebingen
Classification: Likely benign. Last evaluated: 2023-10-01. Review status: criteria provided, single submitter. Criteria: CeGaT Center For Human Genetics Tuebingen Variant Classification Criteria Version 2. Collection method: clinical testing. Allele origin: germline. Affected: yes. Observed: 1 variant allele.
Comment: FKBP14: BP4, BP7

Ambry Genetics
Classification: Likely benign for Cardiovascular phenotype. Last evaluated: 2019-11-11. Review status: criteria provided, single submitter. Criteria: Ambry Variant Classification Scheme 2023. Collection method: clinical testing. Allele origin: germline.

NM_017946.4(FKBP14):c.186A>G (p.Leu62=)

Genes: FKBP14 (FKBP prolyl isomerase 14; minus strand), FKBP14-AS1 (FKBP14 antisense RNA 1; plus strand). Cytogenetic location: 7p14.3.
Variant type: single nucleotide variant.
Coding change: c.186A>G on transcript NM_017946.4 (MANE Select); coding-DNA position 186, A replaced by G.
Protein change: p.Leu62=; no amino-acid change (leucine 62 retained).
Molecular consequence: synonymous variant. On other transcripts: non-coding transcript variant (2).
Genome position (GRCh38, 1-based): chr7:30,026,323, T>C on the plus strand (A>G on the coding strand, the complement: FKBP14 is on the minus strand). VCF-style: chr7-30026323-T-C. GRCh37 (hg19) VCF-style: chr7-30065939-T-C.
Identifiers: ClinVar variation 1781636 (VCV001781636.29), dbSNP rs771213302, ClinGen allele CA4203486.